The following is an entry in ClinVar:

NM_000110.4(DPYD):c.1229G>A (p.Arg410Gln)

Gene: DPYD (dihydropyrimidine dehydrogenase; minus strand). Cytogenetic location: 1p21.3.
Variant type: single nucleotide variant.
Coding change: c.1229G>A on transcript NM_000110.4 (MANE Select); coding-DNA position 1229, G replaced by A.
Protein change: p.Arg410Gln; replaces arginine 410 with glutamine.
Molecular consequence: missense variant.
Genome position (GRCh38, 1-based): chr1:97,573,870, C>T on the plus strand (G>A on the coding strand, the complement: DPYD is on the minus strand). VCF-style: chr1-97573870-C-T. GRCh37 (hg19) VCF-style: chr1-98039426-C-T.
Other names: short protein forms R410Q.
Identifiers: ClinVar variation 874187 (VCV000874187.11), dbSNP rs199646142, ClinGen allele CA963404.

ClinVar aggregate classification (germline): Uncertain significance. Review status: criteria provided, multiple submitters, no conflicts (2 of 4 stars). 7 submissions from 7 submitters: Uncertain significance (7). Last evaluated 2025-07-02.

Conditions:
Inborn genetic diseases. Identifiers: MedGen C0950123, MeSH D030342.
Dihydropyrimidine dehydrogenase deficiency (DPYDD). Also called: DPD DEFICIENCY; DPYD DEFICIENCY; Hereditary Thymine-Uraciluria. Identifiers: Orphanet 1675, MedGen C1959620, MONDO:0010130, OMIM 274270.

Allele frequency attached by ClinVar (database versions not stated): TOPMed 0.00011; gnomAD 0.00013 and 0.00012; ExAC 0.00020; ESP Exome Variant Server 0.00015; gnomAD exomes 0.00018 and 0.00024.
gnomAD v4.1: 373 of 1,613,464 alleles (0.023%); highest among the groups gnomAD compares: South Asian, 0.083%; no homozygotes.

Submissions (7):

GeneDx
Classification: Uncertain significance. Last evaluated: 2025-07-02. Review status: criteria provided, single submitter. Criteria: GeneDx Variant Classification Process June 2021. Collection method: clinical testing. Allele origin: germline. Affected: yes.
Comment: In silico analysis supports that this missense variant has a deleterious effect on protein structure/function; Has not been previously published as pathogenic or benign to our knowledge

Blueprint Genetics
Classification: Uncertain significance. Last evaluated: 2024-10-10. Review status: criteria provided, single submitter. Criteria: ACMG Guidelines, 2015. Collection method: clinical testing. Allele origin: germline.

Ambry Genetics
Classification: Uncertain significance for Inborn genetic diseases. Last evaluated: 2023-07-03. Review status: criteria provided, single submitter. Criteria: Ambry Variant Classification Scheme 2023. Collection method: clinical testing. Allele origin: germline.
Comment: The c.1229G>A (p.R410Q) alteration is located in exon 11 (coding exon 11) of the DPYD gene. This alteration results from a G to A substitution at nucleotide position 1229, causing the arginine (R) at amino acid position 410 to be replaced by a glutamine (Q). This alteration is predicted to be deleterious by in silico analysis. Based on insufficient or conflicting evidence, the clinical significance of this alteration remains unclear.

Baylor Genetics
Classification: Uncertain significance for Dihydropyrimidine dehydrogenase deficiency. Last evaluated: 2023-04-15. Review status: criteria provided, single submitter. Criteria: ACMG Guidelines, 2015. Collection method: clinical testing. Allele origin: unknown.

Genome-Nilou Lab
Classification: Uncertain significance for Dihydropyrimidine dehydrogenase deficiency. Last evaluated: 2023-04-11. Review status: criteria provided, single submitter. Criteria: ACMG Guidelines, 2015. Collection method: clinical testing. Allele origin: germline. Affected: no.

Illumina Laboratory Services, Illumina
Classification: Uncertain significance for Dihydropyrimidine dehydrogenase deficiency. Last evaluated: 2018-01-12. Review status: criteria provided, single submitter. Criteria: ICSL Variant Classification Criteria 13 December 2019. Collection method: clinical testing. Allele origin: germline.

Breakthrough Genomics
Classification: Uncertain significance. Review status: criteria provided, single submitter. Criteria: ACMG Guidelines, 2015. Collection method: not provided. Allele origin: germline. Inheritance: Autosomal recessive inheritance. Affected: yes.